The following is an entry in ClinVar:

ClinVar aggregate classification (germline): Uncertain significance (1 of 4 stars; one submission).

Allele frequency attached by ClinVar (database versions not stated): gnomAD exomes below 0.00001; TOPMed below 0.00001; gnomAD 0.00001.
gnomAD v4.1: 4 of 1,614,026 alleles (0.00025%); highest among the groups gnomAD compares: Non-Finnish European, 0.00034%; no homozygotes.

Submission:

GeneDx
Classification: Uncertain significance. Last evaluated: 2019-06-19. Review status: criteria provided, single submitter. Criteria: GeneDx Variant Classification Process June 2021. Collection method: clinical testing. Allele origin: germline. Affected: yes.
Comment: Not observed in large population cohorts (Lek et al., 2016); In silico analysis, which includes protein predictors and evolutionary conservation, supports a deleterious effect; Has not been previously published as pathogenic or benign to our knowledge

NM_014023.4(WDR37):c.1217G>A (p.Arg406His)

Gene: WDR37 (WD repeat domain 37; plus strand). Cytogenetic location: 10p15.3.
Variant type: single nucleotide variant.
Coding change: c.1217G>A on transcript NM_014023.4 (MANE Select); coding-DNA position 1217, G replaced by A.
Protein change: p.Arg406His; replaces arginine 406 with histidine.
Molecular consequence: missense variant.
Genome position (GRCh38, 1-based): chr10:1,124,331, G>A. VCF-style: chr10-1124331-G-A. GRCh37 (hg19) VCF-style: chr10-1170271-G-A.
Other names: short protein forms R406H.
Identifiers: ClinVar variation 1306370 (VCV001306370.2), dbSNP rs1181124456, ClinGen allele CA375857065.